The following is an entry in ClinVar:

NM_000264.5(PTCH1):c.2634C>A (p.Asp878Glu)

Gene: PTCH1 (patched 1; minus strand). Cytogenetic location: 9q22.32.
Variant type: single nucleotide variant.
Coding change: c.2634C>A on transcript NM_000264.5 (MANE Select); coding-DNA position 2634, C replaced by A.
Protein change: p.Asp878Glu; replaces aspartic acid 878 with glutamic acid.
Molecular consequence: missense variant. On other transcripts: non-coding transcript variant (1).
Genome position (GRCh38, 1-based): chr9:95,461,925, G>T on the plus strand (C>A on the coding strand, the complement: PTCH1 is on the minus strand). VCF-style: chr9-95461925-G-T. GRCh37 (hg19) VCF-style: chr9-98224207-G-T.
Other names: c.2436C>A, p.Asp812Glu (NM_001083602.3); c.2631C>A, p.Asp877Glu (NM_001083603.3); c.2181C>A, p.Asp727Glu (NM_001083604.3, NM_001083605.3, NM_001083606.3 and 1 more transcripts); c.2478C>A, p.Asp826Glu (NM_001354918.2); short protein forms D812E, D878E, D826E, D877E, D727E.
Identifiers: ClinVar variation 453825 (VCV000453825.16), dbSNP rs771732591, ClinGen allele CA5138358.

ClinVar aggregate classification (germline): Conflicting classifications of pathogenicity. Review status: criteria provided, conflicting classifications (1 of 4 stars). 4 submissions from 4 submitters: Uncertain significance (2); Likely benign (2). Last evaluated 2025-12-29.

Conditions:
Hereditary cancer-predisposing syndrome. Also called: Tumor predisposition; Hereditary Cancer Syndrome; Neoplastic Syndromes, Hereditary; Hereditary neoplastic syndrome. Identifiers: Orphanet 140162, MedGen C0027672, MeSH D009386, MONDO:0015356.
Gorlin syndrome. Also called: Basal cell nevus syndrome; Nevoid Basal Cell Carcinoma Syndrome. Identifiers: Orphanet 377, MedGen C0004779, MONDO:0007187.

Allele frequency attached by ClinVar (database versions not stated): TOPMed 0.00004.
gnomAD v4.1: 34 of 1,614,118 alleles (0.0021%); highest among the groups gnomAD compares: Non-Finnish European, 0.0029%; no homozygotes.

Submissions (4):

Center for Genomic Medicine, Rigshospitalet, Copenhagen University Hospital
Classification: Uncertain significance. Last evaluated: 2025-12-29. Review status: criteria provided, single submitter. Criteria: ACMG Guidelines, 2015. Collection method: clinical testing. Allele origin: germline.

Labcorp Genetics (formerly Invitae), Labcorp
Classification: Likely benign for Gorlin syndrome. Last evaluated: 2025-12-29. Review status: criteria provided, single submitter. Criteria: Invitae Variant Classification Sherloc (09022015). Collection method: clinical testing. Allele origin: germline.

Ambry Genetics
Classification: Likely benign for Hereditary cancer-predisposing syndrome. Last evaluated: 2023-01-27. Review status: criteria provided, single submitter. Criteria: Ambry Variant Classification Scheme 2023. Collection method: clinical testing. Allele origin: germline.

Sema4
Classification: Uncertain significance for Hereditary cancer-predisposing syndrome. Last evaluated: 2022-01-08. Review status: criteria provided, single submitter. Criteria: Sema4 Curation Guidelines. Collection method: curation. Allele origin: germline.
Comment: The PTCH1 c.2634C>A (p.D878E) variant has not been reported in the literature to our knowledge. It was observed in 5/129200 chromosomes of the European (non-Finnish) subpopulation in the large and broad cohorts of the Genome Aggregation Database (PMID: 32461654). This variant has been reported in ClinVar (Variation ID: 453825). Functional studies have not been performed, and in silico predictions of the variant's effect on protein function are inconclusive. There is no indication that this variant causes disease, but the evidence is insufficient currently to prove that conclusively. Thus, the clinical significance of this variant is currently uncertain.